The following is an entry in ClinVar:

NM_006587.4(CORIN):c.2068+182C>T

Gene: CORIN (corin, serine peptidase; minus strand). Cytogenetic location: 4p12.
Variant type: single nucleotide variant.
Coding change: c.2068+182C>T on transcript NM_006587.4 (MANE Select); 182 bases into the intron after coding-DNA position 2068, C replaced by T.
Molecular consequence: intron variant. On other transcripts: synonymous variant (1).
Genome position (GRCh38, 1-based): chr4:47,642,964, G>A on the plus strand (C>T on the coding strand, the complement: CORIN is on the minus strand). VCF-style: chr4-47642964-G-A. GRCh37 (hg19) VCF-style: chr4-47644981-G-A.
Other names: c.2139C>T, p.His713= (NM_001278586.2); c.1756+182C>T (NM_001278585.2).
Identifiers: ClinVar variation 3053067 (VCV003053067.2), dbSNP rs545955410, ClinGen allele CA2909465.
Genomic context (GRCh38, chr4:47,642,964, plus strand): 5'-CATTTTGAACCCAAACGTTTTTCCATACAATATAGATATTTCAAATAGAGAAGTAGCTTC[G>A]TGGGGAAATTTTCTGTGAGTTGGAAATAACACACATAGATCAGCACTATCAGCTTTTATA-3'

ClinVar aggregate classification (germline): Likely benign (0 of 4 stars; one submission).

Conditions:
CORIN-related disorder. Also called: CORIN-related condition.

Allele frequency attached by ClinVar (database versions not stated): TOPMed 0.00007; ExAC 0.00008; gnomAD exomes 0.00016; 1000 Genomes Project 30x 0.00031; gnomAD 0.00032; 1000 Genomes Project 0.00040.

Submission:

PreventionGenetics, part of Exact Sciences
Classification: Likely benign for CORIN-related condition. Last evaluated: 2019-08-26. Review status: no assertion criteria provided. Collection method: clinical testing. Allele origin: germline.
Comment: This variant is classified as likely benign based on ACMG/AMP sequence variant interpretation guidelines (Richards et al. 2015 PMID: 25741868, with internal and published modifications).